The following is an entry in ClinVar:

NM_001330588.2(TPP2):c.496-3T>G

Gene: TPP2 (tripeptidyl peptidase 2; plus strand). Cytogenetic location: 13q33.1.
Variant type: single nucleotide variant.
Coding change: c.496-3T>G on transcript NM_001330588.2 (MANE Select); 3 bases into the intron before coding-DNA position 496, T replaced by G.
Molecular consequence: intron variant.
Genome position (GRCh38, 1-based): chr13:102,618,719, T>G. VCF-style: chr13-102618719-T-G. GRCh37 (hg19) VCF-style: chr13-103271069-T-G.
Other names: c.496-3T>G (LRG_1341t1, NM_001367947.1, NM_003291.4).
Identifiers: ClinVar variation 544306 (VCV000544306.8), dbSNP rs1555298364, ClinGen allele CA658798034.

ClinVar aggregate classification (germline): Uncertain significance (1 of 4 stars; one submission).

Conditions:
Evans syndrome, immunodeficiency, and premature immunosenescence associated with tripeptidyl-peptidase II deficiency. Identifiers: MedGen CN231723. Disease mechanism: loss of function.

Submission:

Labcorp Genetics (formerly Invitae), Labcorp
Classification: Uncertain significance for Evans syndrome, immunodeficiency, and premature immunosenescence associated with tripeptidyl-peptidase II deficiency. Last evaluated: 2022-08-31. Review status: criteria provided, single submitter. Criteria: Invitae Variant Classification Sherloc (09022015). Collection method: clinical testing. Allele origin: germline.
Comment: ClinVar contains an entry for this variant (Variation ID: 544306). In summary, the available evidence is currently insufficient to determine the role of this variant in disease. Therefore, it has been classified as a Variant of Uncertain Significance. Variants that disrupt the consensus splice site are a relatively common cause of aberrant splicing (PMID: 17576681, 9536098). Algorithms developed to predict the effect of sequence changes on RNA splicing suggest that this variant may disrupt the consensus splice site. This variant has not been reported in the literature in individuals affected with TPP2-related conditions. This variant is not present in population databases (gnomAD no frequency). This sequence change falls in intron 4 of the TPP2 gene. It does not directly change the encoded amino acid sequence of the TPP2 protein. It affects a nucleotide within the consensus splice site.

Literature cited by the submitters: PubMed 17576681; PubMed 9536098.